The following is an entry in ClinVar:

NM_022437.3(ABCG8):c.593G>T (p.Arg198Met)

Gene: ABCG8 (ATP binding cassette subfamily G member 8; plus strand). Cytogenetic location: 2p21.
Variant type: single nucleotide variant.
Coding change: c.593G>T on transcript NM_022437.3 (MANE Select); coding-DNA position 593, G replaced by T.
Protein change: p.Arg198Met; replaces arginine 198 with methionine.
Molecular consequence: missense variant.
Genome position (GRCh38, 1-based): chr2:43,852,385, G>T. VCF-style: chr2-43852385-G-T. GRCh37 (hg19) VCF-style: chr2-44079524-G-T.
Other names: c.593G>T, p.Arg198Met (NM_001357321.2); short protein forms R198M.
Identifiers: ClinVar variation 1307903 (VCV001307903.10), dbSNP rs777258651, ClinGen allele CA1637081.

ClinVar aggregate classification (germline): Uncertain significance. Review status: criteria provided, multiple submitters, no conflicts (2 of 4 stars). 4 submissions from 4 submitters: Uncertain significance (4). Last evaluated 2025-08-25.

Conditions:
Sitosterolemia 1. Identifiers: MedGen C2749759, MONDO:0020747, OMIM 210250.
Cardiovascular phenotype. Identifiers: MedGen CN230736.

Allele frequency attached by ClinVar (database versions not stated): gnomAD 0.00001; ExAC 0.00003; TOPMed 0.00004; gnomAD exomes 0.00006 and 0.00009.
gnomAD v4.1: 80 of 1,612,188 alleles (0.005%); highest among the groups gnomAD compares: South Asian, 0.048%; 1 homozygote.

Submissions (4):

Ambry Genetics
Classification: Uncertain significance for Cardiovascular phenotype. Last evaluated: 2025-08-25. Review status: criteria provided, single submitter. Criteria: Ambry Variant Classification Scheme 2023. Collection method: clinical testing. Allele origin: germline.

Revvity Omics, Revvity
Classification: Uncertain significance for Sitosterolemia 1. Last evaluated: 2024-05-29. Review status: criteria provided, single submitter. Criteria: ACMG Guidelines, 2015. Collection method: clinical testing. Allele origin: germline.

Labcorp Genetics (formerly Invitae), Labcorp
Classification: Uncertain significance. Last evaluated: 2021-10-29. Review status: criteria provided, single submitter. Criteria: Invitae Variant Classification Sherloc (09022015). Collection method: clinical testing. Allele origin: germline.
Comment: This sequence change replaces arginine, which is basic and polar, with methionine, which is neutral and non-polar, at codon 198 of the ABCG8 protein (p.Arg198Met). This variant is present in population databases (rs777258651, gnomAD 0.05%). This variant has not been reported in the literature in individuals affected with ABCG8-related conditions. Algorithms developed to predict the effect of missense changes on protein structure and function are either unavailable or do not agree on the potential impact of this missense change (SIFT: "Deleterious"; PolyPhen-2: "Probably Damaging"; Align-GVGD: "Class C0"). In summary, the available evidence is currently insufficient to determine the role of this variant in disease. Therefore, it has been classified as a Variant of Uncertain Significance.

GeneDx
Classification: Uncertain significance. Last evaluated: 2019-08-12. Review status: criteria provided, single submitter. Criteria: GeneDx Variant Classification Process June 2021. Collection method: clinical testing. Allele origin: germline. Affected: yes.
Comment: In silico analysis, which includes protein predictors and evolutionary conservation, supports a deleterious effect; Has not been previously published as pathogenic or benign to our knowledge